The following is an entry in ClinVar:

NM_000303.3(PMM2):c.640-12374_640-5520del

Gene: PMM2 (phosphomannomutase 2; plus strand). Cytogenetic location: 16p13.2.
Variant type: Deletion.
Coding change: c.640-12374_640-5520del on transcript NM_000303.3 (MANE Select); 12374 bases into the intron before coding-DNA position 640 through 5520 bases into the intron before coding-DNA position 640, 6,855 bases deleted.
Molecular consequence: intron variant.
Genome position (GRCh38, 1-based): chr16:8,835,350-8,842,204, 6,855 bases deleted. GRCh37 (hg19): chr16:8,929,207-8,936,061.
Identifiers: ClinVar variation 4847900 (VCV004847900.1).

ClinVar aggregate classification (germline): Uncertain significance (1 of 4 stars; one submission).

Submission:

Women's Health and Genetics/Laboratory Corporation of America, LabCorp
Classification: Uncertain significance. Last evaluated: 2026-02-11. Review status: criteria provided, single submitter. Criteria: LabCorp Variant Classification Summary - May 2015. Collection method: clinical testing. Allele origin: germline.
Comment: Variant summary: PMM2 c.640-12374_640-5520del is located at a position not widely known to affect splicing. Consensus agreement among computation tools predict no significant impact on normal splicing. However, these predictions have yet to be confirmed by functional studies. The variant involves a deletion within intron 7 (the last intron) in the PMM2 gene. This variant was not found in controls; however several overlapping deletion variants were found in this region with high frequencies (including multiple homozygotes), e.g. a large deletion allele (size: 7,131 bp) was found at a frequency of 0.0061 in 125184 control chromosomes in the gnomAD database, including 5 homozygotes. The observed variant frequencies for multiple similar variants exceed the estimated maximal expected allele frequency for disease-causing variants in PMM2. To our knowledge, no occurrence of c.640-12374_640-5520del in individuals affected with PMM2-related conditions and no experimental evidence demonstrating its impact on protein function have been reported. No submitters have cited clinical-significance assessments for this variant to ClinVar. Based on the evidence outlined above, the variant was classified as uncertain significance.